The following is an entry in ClinVar:

ClinVar aggregate classification (germline): Uncertain significance (1 of 4 stars; one submission).

gnomAD v4.1: 9 of 1,614,184 alleles (0.00056%); highest among the groups gnomAD compares: South Asian, 0.0044%; 1 homozygote.

Submission:

Labcorp Genetics (formerly Invitae), Labcorp
Classification: Uncertain significance. Last evaluated: 2024-04-05. Review status: criteria provided, single submitter. Criteria: Invitae Variant Classification Sherloc (09022015). Collection method: clinical testing. Allele origin: germline.
Comment: This sequence change replaces glycine with aspartic acid at codon 803 of the ADAMTS18 protein (p.Gly803Asp). The glycine residue is moderately conserved and there is a moderate physicochemical difference between glycine and aspartic acid. This variant is not present in population databases (gnomAD no frequency). This variant has not been reported in the literature in individuals affected with ADAMTS18-related conditions. ClinVar contains an entry for this variant (Variation ID: 1514887). Algorithms developed to predict the effect of missense changes on protein structure and function output the following: SIFT: "Not Available"; PolyPhen-2: "Benign"; Align-GVGD: "Not Available". The aspartic acid amino acid residue is found in multiple mammalian species, which suggests that this missense change does not adversely affect protein function. In summary, the available evidence is currently insufficient to determine the role of this variant in disease. Therefore, it has been classified as a Variant of Uncertain Significance.

NM_199355.4(ADAMTS18):c.2408G>A (p.Gly803Asp)

Gene: ADAMTS18 (ADAM metallopeptidase with thrombospondin type 1 motif 18; minus strand). Cytogenetic location: 16q23.1.
Variant type: single nucleotide variant.
Coding change: c.2408G>A on transcript NM_199355.4 (MANE Select); coding-DNA position 2408, G replaced by A.
Protein change: p.Gly803Asp; replaces glycine 803 with aspartic acid.
Molecular consequence: missense variant.
Genome position (GRCh38, 1-based): chr16:77,319,973, C>T on the plus strand (G>A on the coding strand, the complement: ADAMTS18 is on the minus strand). VCF-style: chr16-77319973-C-T. GRCh37 (hg19) VCF-style: chr16-77353870-C-T.
Other names: c.1892G>A, p.Gly631Asp (NM_001326358.2); short protein forms G803D, G631D.
Identifiers: ClinVar variation 1514887 (VCV001514887.6), dbSNP rs201737996, ClinGen allele CA396827650.
Genomic context (GRCh38, chr16:77,319,973, plus strand): 5'-CGCTGGTATTCAAACGTGGTCCCAGCGAAGGGGAACTCCCCAGGCCAGTCGATGCTCCAG[C>T]CCCCGGTGAGGTAATACTTTTGACTGAGGCTTCGAACTGCGAGGTAACTGGAGGAAACCT-3'
Protein context (NP_955387.1, residues 793-813): SLSQKYYLTG[Gly803Asp]WSIDWPGEFP